The following is an entry in ClinVar:

NM_001035.3(RYR2):c.5123A>G (p.Asp1708Gly)

Gene: RYR2 (ryanodine receptor 2; plus strand). Cytogenetic location: 1q43.
Variant type: single nucleotide variant.
Coding change: c.5123A>G on transcript NM_001035.3 (MANE Select); coding-DNA position 5123, A replaced by G.
Protein change: p.Asp1708Gly; replaces aspartic acid 1708 with glycine.
Molecular consequence: missense variant.
Genome position (GRCh38, 1-based): chr1:237,614,251, A>G. VCF-style: chr1-237614251-A-G. GRCh37 (hg19) VCF-style: chr1-237777551-A-G.
Other names: short protein forms D1708G.
Identifiers: ClinVar variation 3071960 (VCV003071960.1), dbSNP rs1678216107, ClinGen allele CA345404066.
Genomic context (GRCh38, chr1:237,614,251, plus strand): 5'-CCATTGAGAACAAGTACATGCCTGGTTTGCTGCGTGCTGGCTACTATGACCTGCTGATTG[A>G]CATCCACCTGAGCTCCTATGCCACTGCCAGGCTCATGATGAACAACGAGTACATTGTCCC-3'
Protein context (NP_001026.2, residues 1698-1718): LRAGYYDLLI[Asp1708Gly]IHLSSYATAR

ClinVar aggregate classification (germline): Uncertain significance (1 of 4 stars; one submission).

Conditions:
Catecholaminergic polymorphic ventricular tachycardia (CVPT). Also called: Catecholamine-induced polymorphic ventricular tachycardia. Identifiers: Orphanet 3286, MedGen C5574922, MONDO:0017990.

Submission:

All of Us Research Program, National Institutes of Health
Classification: Uncertain significance for Catecholaminergic polymorphic ventricular tachycardia. Last evaluated: 2023-06-26. Review status: criteria provided, single submitter. Criteria: ACMG Guidelines, 2015. Collection method: clinical testing. Allele origin: germline. Inheritance: Autosomal dominant inheritance. Observed: 1 variant allele, 1 heterozygote.
Comment: This missense variant replaces aspartic acid with glycine at codon 1708 of the RYR2 protein. Computational prediction suggests that this variant may not impact protein structure and function (internally defined REVEL score threshold <= 0.5, PMID: 27666373). To our knowledge, functional studies have not been reported for this variant. This variant has not been reported in individuals affected with RYR2-related disorders in the literature. This variant has not been identified in the general population by the Genome Aggregation Database (gnomAD). The available evidence is insufficient to determine the role of this variant in disease conclusively. Therefore, this variant is classified as a Variant of Uncertain Significance.

This study involves interpretation of variants in research participants for the purpose of population health screening. Participant phenotype was not available at the time of variant classification. Additional details can be found in publication PMID: 35346344, PMCID: PMC8962531